The following is an entry in ClinVar:

ClinVar aggregate classification (germline): Uncertain significance (1 of 4 stars; one submission).

Conditions:
Charcot-Marie-Tooth disease type 2E (CMT2E). Also called: CHARCOT-MARIE-TOOTH DISEASE, AXONAL, TYPE 2E; CHARCOT-MARIE-TOOTH NEUROPATHY, TYPE 2E. Identifiers: Orphanet 99939, MedGen C1843225, MONDO:0011894, OMIM 607684.

Submission:

Labcorp Genetics (formerly Invitae), Labcorp
Classification: Uncertain significance for Charcot-Marie-Tooth disease type 2E. Last evaluated: 2025-03-26. Review status: criteria provided, single submitter. Criteria: Invitae Variant Classification Sherloc (09022015). Collection method: clinical testing. Allele origin: germline.
Comment: This sequence change replaces glutamine, which is neutral and polar, with lysine, which is basic and polar, at codon 274 of the NEFL protein (p.Gln274Lys). This variant is not present in population databases (gnomAD no frequency). This variant has not been reported in the literature in individuals affected with NEFL-related conditions. Invitae Evidence Modeling of protein sequence and biophysical properties (such as structural, functional, and spatial information, amino acid conservation, physicochemical variation, residue mobility, and thermodynamic stability) indicates that this missense variant is not expected to disrupt NEFL protein function with a negative predictive value of 80%. In summary, the available evidence is currently insufficient to determine the role of this variant in disease. Therefore, it has been classified as a Variant of Uncertain Significance.

NM_006158.5(NEFL):c.820C>A (p.Gln274Lys)

Gene: NEFL (neurofilament light chain; minus strand). Cytogenetic location: 8p21.2.
Variant type: single nucleotide variant.
Coding change: c.820C>A on transcript NM_006158.5 (MANE Select); coding-DNA position 820, C replaced by A.
Protein change: p.Gln274Lys; replaces glutamine 274 with lysine.
Molecular consequence: missense variant.
Genome position (GRCh38, 1-based): chr8:24,955,696, G>T on the plus strand (C>A on the coding strand, the complement: NEFL is on the minus strand). VCF-style: chr8-24955696-G-T. GRCh37 (hg19) VCF-style: chr8-24813210-G-T.
Other names: short protein forms Q274K.
Identifiers: ClinVar variation 4742919 (VCV004742919.1).
Genomic context (GRCh38, chr8:24,955,696, plus strand): 5'-TCTTGGCGGCGCTCTCGGTCAGCACGGTGAAGCGGCTCTTGAACCATTCCTCAGCGTTCT[G>T]CATGTTCTTGGCGGCCAGCTTCTCGTACTGCGCGCGGATGTCCTTGAGCGCGGCGGAAAG-3'
Protein context (NP_006149.2, residues 264-284): QYEKLAAKNM[Gln274Lys]NAEEWFKSRF